The following is an entry in ClinVar:

NM_004525.3(LRP2):c.11363C>T (p.Ser3788Leu)

Gene: LRP2 (LDL receptor related protein 2; minus strand). Cytogenetic location: 2q31.1.
Variant type: single nucleotide variant.
Coding change: c.11363C>T on transcript NM_004525.3 (MANE Select); coding-DNA position 11363, C replaced by T.
Protein change: p.Ser3788Leu; replaces serine 3788 with leucine.
Molecular consequence: missense variant.
Genome position (GRCh38, 1-based): chr2:169,170,568, G>A on the plus strand (C>T on the coding strand, the complement: LRP2 is on the minus strand). VCF-style: chr2-169170568-G-A. GRCh37 (hg19) VCF-style: chr2-170027078-G-A.
Other names: short protein forms S3788L.
Identifiers: ClinVar variation 4853609 (VCV004853609.2).

ClinVar aggregate classification (germline): Uncertain significance. Review status: criteria provided, multiple submitters, no conflicts (2 of 4 stars). 2 submissions from 2 submitters: Uncertain significance (2). Last evaluated 2026-05-01.

Conditions:
Donnai-Barrow syndrome. Also called: DBS/FOAR SYNDROME; FACIOOCULOACOUSTICORENAL SYNDROME. Identifiers: Orphanet 2143, MedGen C1857277, MONDO:0009104, OMIM 222448.

gnomAD v4.1: 5 of 1,613,836 alleles (0.00031%); highest among the groups gnomAD compares: East Asian, 0.0067%; no homozygotes.

Submissions (2):

Women's Health and Genetics/Laboratory Corporation of America, LabCorp
Classification: Uncertain significance. Last evaluated: 2026-05-01. Review status: criteria provided, single submitter. Criteria: LabCorp Variant Classification Summary - May 2015. Collection method: clinical testing. Allele origin: germline.
Comment: Variant summary: LRP2 c.11363C>T (p.Ser3788Leu) results in a non-conservative amino acid change in the encoded protein sequence. Algorithms developed to predict the effect of missense changes on protein structure and function all suggest that this variant is likely to be disruptive. The variant allele was found at a frequency of 8e-06 in 251474 control chromosomes (gnomAD). The available data on variant occurrences in the general population are insufficient to allow any conclusion about variant significance. c.11363C>T has been observed in at least one individual affected with congenital heart disease (Alankarage_2019). The report does not provide unequivocal conclusions about association of the variant with Donnai Barrow Syndrome. To our knowledge, no experimental evidence demonstrating an impact on protein function has been reported. The following publication have been ascertained in the context of this evaluation (PMID: 30293987). No submitters have cited clinical-significance assessments for this variant to ClinVar. Based on the evidence outlined above, the variant was classified as uncertain significance.

Myriad Genetics, Inc.
Classification: Uncertain significance for Donnai-Barrow syndrome. Last evaluated: 2025-11-26. Review status: criteria provided, single submitter. Criteria: Myriad Autosomal Dominant, Autosomal Recessive and X-Linked Classification Criteria (2023). Collection method: clinical testing. Allele origin: unknown.
Comment: NM_004525.2(LRP2):c.11363C>T(S3788L) is a missense variant classified as a variant of uncertain significance in the context of Donnai-Barrow syndrome. S3788L has not been observed in cases with relevant disease. Relevant functional assessments of this variant are not available in the literature. S3788L has been observed in referenced population frequency databases. In summary, there is insufficient evidence to classify NM_004525.2(LRP2):c.11363C>T(S3788L) as pathogenic or benign. Please note: this variant was assessed in the context of healthy population screening.

Literature cited by the submitters: PubMed 30293987 (cited by Women's Health and Genetics/Laboratory Corporation of America, LabCorp).